The following is an entry in ClinVar:

NM_001077525.3(MTMR14):c.466C>T (p.Arg156Cys)

Gene: MTMR14 (myotubularin related protein 14; plus strand). Cytogenetic location: 3p25.3.
Variant type: single nucleotide variant.
Coding change: c.466C>T on transcript NM_001077525.3 (MANE Select); coding-DNA position 466, C replaced by T.
Protein change: p.Arg156Cys; replaces arginine 156 with cysteine.
Molecular consequence: missense variant. On other transcripts: 5 prime UTR variant (2), non-coding transcript variant (5), intron variant (19).
Genome position (GRCh38, 1-based): chr3:9,668,767, C>T. VCF-style: chr3-9668767-C-T. GRCh37 (hg19) VCF-style: chr3-9710451-C-T.
Other names: c.466C>T, p.Arg156Cys (NM_001077526.3, NM_001400519.1, NM_001400520.1 and 4 more transcripts); c.535C>T, p.Arg179Cys (NM_001400518.1, NM_001400521.1, NM_001400526.1); c.184C>T, p.Arg62Cys (NM_001400525.1, NM_001400529.1, NM_001400532.1 and 1 more transcripts); c.-177C>T (NM_001400540.1); c.-250C>T (NM_001400547.1); c.-149-665C>T (NM_001400542.1, NM_001400534.1, NM_001400541.1 and 4 more transcripts); c.-222-665C>T (NM_001400548.1); c.-88-2281C>T (NM_001400533.1, NM_001400539.1, NM_001400545.1 and 1 more transcripts); and 3 more; short protein forms R156C, R179C, R62C.
Identifiers: ClinVar variation 3707182 (VCV003707182.2).

ClinVar aggregate classification (germline): Uncertain significance (1 of 4 stars; one submission).

Submission:

Labcorp Genetics (formerly Invitae), Labcorp
Classification: Uncertain significance. Last evaluated: 2024-07-17. Review status: criteria provided, single submitter. Criteria: Invitae Variant Classification Sherloc (09022015). Collection method: clinical testing. Allele origin: germline.
Comment: This sequence change replaces arginine, which is basic and polar, with cysteine, which is neutral and slightly polar, at codon 156 of the MTMR14 protein (p.Arg156Cys). This variant is present in population databases (rs758951053, gnomAD 0.006%). This variant has not been reported in the literature in individuals affected with MTMR14-related conditions. Advanced modeling of protein sequence and biophysical properties (such as structural, functional, and spatial information, amino acid conservation, physicochemical variation, residue mobility, and thermodynamic stability) has been performed at Invitae for this missense variant, however the output from this modeling did not meet the statistical confidence thresholds required to predict the impact of this variant on MTMR14 protein function. Algorithms developed to predict the effect of sequence changes on RNA splicing suggest that this variant may disrupt the consensus splice site. In summary, the available evidence is currently insufficient to determine the role of this variant in disease. Therefore, it has been classified as a Variant of Uncertain Significance.